The following is an entry in ClinVar:

ClinVar aggregate classification (germline): Likely benign (1 of 4 stars; one submission).

gnomAD v4.1: 1 of 1,614,124 alleles (0.000062%); highest among the groups gnomAD compares: African/African-American, 0.0013%; no homozygotes.

Submission:

CeGaT Center for Human Genetics Tuebingen
Classification: Likely benign. Last evaluated: 2026-03-01. Review status: criteria provided, single submitter. Criteria: CeGaT Center For Human Genetics Tuebingen Variant Classification Criteria Version 2. Collection method: clinical testing. Allele origin: germline. Affected: yes. Observed: 1 variant allele.
Comment: DDX23: BP4

NM_004818.3(DDX23):c.480+4A>T

Gene: DDX23 (DEAD-box helicase 23; minus strand). Cytogenetic location: 12q13.12.
Variant type: single nucleotide variant.
Coding change: c.480+4A>T on transcript NM_004818.3 (MANE Select); 4 bases into the intron after coding-DNA position 480, A replaced by T.
Molecular consequence: intron variant.
Genome position (GRCh38, 1-based): chr12:48,839,840, T>A on the plus strand (A>T on the coding strand, the complement: DDX23 is on the minus strand). VCF-style: chr12-48839840-T-A. GRCh37 (hg19) VCF-style: chr12-49233623-T-A.
Identifiers: ClinVar variation 4823768 (VCV004823768.4).